The following is an entry in ClinVar:

NM_001386140.1(MTTP):c.1557+2T>G

Gene: MTTP (microsomal triglyceride transfer protein; plus strand). Cytogenetic location: 4q23.
Variant type: single nucleotide variant.
Coding change: c.1557+2T>G on transcript NM_001386140.1 (MANE Select); the canonical splice donor site of the intron after coding-DNA position 1557, T replaced by G.
Molecular consequence: splice donor variant.
Genome position (GRCh38, 1-based): chr4:99,606,962, T>G. VCF-style: chr4-99606962-T-G. GRCh37 (hg19) VCF-style: chr4-100528119-T-G.
Other names: c.1557+2T>G (NM_000253.4); c.1308+2T>G (NM_001300785.2).
Identifiers: ClinVar variation 4855633 (VCV004855633.1).

ClinVar aggregate classification (germline): Pathogenic (1 of 4 stars; one submission).

Conditions:
Abetalipoproteinaemia (ABL). Also called: MTP DEFICIENCY; Abetalipoproteinemia; Abetalipoproteinemia neuropathy; Apolipoprotein B deficiency; Congenital betalipoprotein deficiency syndrome. Identifiers: Orphanet 14, MedGen C0000744, MONDO:0008692, OMIM 200100, HP:0008181.

Submission:

3billion
Classification: Pathogenic for Abetalipoproteinaemia. Last evaluated: 2025-09-10. Review status: criteria provided, single submitter. Criteria: ACMG Guidelines, 2015. Collection method: clinical testing. Allele origin: germline. Affected: yes.
Comment: The variant is not observed in the gnomAD v4.1.0 dataset. Predicted Consequence/Location: Canonical splice site: predicted to alter splicing and result in a loss or disruption of normal protein function. Multiple pathogenic loss-of-function variants are reported downstream of the variant. In silico tools predict the variant to alter splicing and produce an abnormal transcript [SpliceAI: 0.99 (spliceogenicity >=0.2, non-spliceogenicity <0.1)]. Therefore, this variant is classified as Pathogenic according to the recommendation of ACMG/AMP guideline.